The following is an entry in ClinVar:

NM_013275.6(ANKRD11):c.4443G>A (p.Ala1481=)

Gene: ANKRD11 (ankyrin repeat domain 11; minus strand). Cytogenetic location: 16q24.3.
Variant type: single nucleotide variant.
Coding change: c.4443G>A on transcript NM_013275.6 (MANE Select); coding-DNA position 4443, G replaced by A.
Protein change: p.Ala1481=; no amino-acid change (alanine 1481 retained).
Molecular consequence: synonymous variant.
Genome position (GRCh38, 1-based): chr16:89,282,099, C>T on the plus strand (G>A on the coding strand, the complement: ANKRD11 is on the minus strand). VCF-style: chr16-89282099-C-T. GRCh37 (hg19) VCF-style: chr16-89348507-C-T.
Other names: c.4443G>A, p.Ala1481= (NM_001256182.2, NM_001256183.2).
Identifiers: ClinVar variation 589172 (VCV000589172.16), dbSNP rs377279757, ClinGen allele CA8242112.
Genomic context (GRCh38, chr16:89,282,099, plus strand): 5'-CTTCTGCTCGTCCCTGTGATGCCGCAGGAGCTCGTCCCTGTGATGCCGCAGCAGCCCATC[C>T]GCATGCCTGTCCCGGTGCCTCTCCTTCTCGTCTCTCCATTTCTCCCTGTGTTTCTCTCTC-3'
Protein context (NP_037407.4, residues 1471-1491): DEKERHRDRH[Ala1481=]DGLLRHHRDE

ClinVar aggregate classification (germline): Likely benign. Review status: criteria provided, multiple submitters, no conflicts (2 of 4 stars). 5 submissions from 5 submitters: Likely benign (5). Last evaluated 2025-04-02.

Conditions:
KBG syndrome (KBGS). Also called: ANKRD11-Related KBG Syndrome. Identifiers: Orphanet 2332, MedGen C0220687, MONDO:0007846, OMIM 148050.
Inborn genetic diseases. Identifiers: MedGen C0950123, MeSH D030342.

Allele frequency attached by ClinVar (database versions not stated): gnomAD exomes 0.00002; ExAC 0.00004; gnomAD 0.00005 and 0.00007; TOPMed 0.00006; ESP Exome Variant Server 0.00023.
gnomAD v4.1: 112 of 1,613,858 alleles (0.0069%); highest among the groups gnomAD compares: Non-Finnish European, 0.0088%; no homozygotes.

Submissions (5):

Labcorp Genetics (formerly Invitae), Labcorp
Classification: Likely benign for KBG syndrome. Last evaluated: 2025-04-02. Review status: criteria provided, single submitter. Criteria: Invitae Variant Classification Sherloc (09022015). Collection method: clinical testing. Allele origin: germline.

CeGaT Center for Human Genetics Tuebingen
Classification: Likely benign. Last evaluated: 2025-04-01. Review status: criteria provided, single submitter. Criteria: CeGaT Center For Human Genetics Tuebingen Variant Classification Criteria Version 2. Collection method: clinical testing. Allele origin: germline. Affected: yes. Observed: 1 variant allele.
Comment: ANKRD11: BP4, BP7

Blueprint Genetics
Classification: Likely benign. Last evaluated: 2021-08-17. Review status: criteria provided, single submitter. Criteria: ACMG Guidelines, 2015. Collection method: clinical testing. Allele origin: germline.

GeneDx
Classification: Likely benign. Last evaluated: 2019-03-08. Review status: criteria provided, single submitter. Criteria: GeneDx Variant Classification Process June 2021. Collection method: clinical testing. Allele origin: germline. Affected: yes.

Ambry Genetics
Classification: Likely benign for Inborn genetic diseases. Last evaluated: 2017-05-27. Review status: criteria provided, single submitter. Criteria: Ambry Variant Classification Scheme 2023. Collection method: clinical testing. Allele origin: germline.